The following is an entry in ClinVar:

ClinVar aggregate classification (germline): Benign. Review status: criteria provided, multiple submitters, no conflicts (2 of 4 stars). 17 submissions from 14 submitters: Benign (17). Last evaluated 2026-02-04.

Conditions:
Cardiovascular phenotype. Identifiers: MedGen CN230736.
Visceral myopathy 2. Identifiers: MedGen C5543466, MONDO:0859157, OMIM 619350.
Megacystis-microcolon-intestinal hypoperistalsis syndrome 2. Identifiers: MedGen C5543476, MONDO:0025708, OMIM 619351.
Familial thoracic aortic aneurysm and aortic dissection (TAAD). Also called: Thoracic aortic aneurysms and dissections. Identifiers: Orphanet 91387, MedGen C4707243, MONDO:0019625.
Aortic aneurysm, familial thoracic 4 (AAT4). Also called: AORTIC ANEURYSM/AORTIC DISSECTION AND PATENT DUCTUS ARTERIOSUS. Identifiers: MedGen C1851504, MONDO:0007568, OMIM 132900.

Allele frequency attached by ClinVar (database versions not stated): gnomAD exomes 0.42809 and 0.43615; ExAC 0.44369; gnomAD 0.49573 and 0.49695; 1000 Genomes Project 30x 0.55200; ESP Exome Variant Server 0.49900; TOPMed 0.50311; 1000 Genomes Project 0.54812.
gnomAD v4.1: 701,836 of 1,613,510 alleles (43%); highest among the groups gnomAD compares: African/African-American, 69%; 157,746 homozygotes.

Submissions (17):

Labcorp Genetics (formerly Invitae), Labcorp
Classification: Benign for Aortic aneurysm, familial thoracic 4. Last evaluated: 2026-02-04. Review status: criteria provided, single submitter. Criteria: Invitae Variant Classification Sherloc (09022015). Collection method: clinical testing. Allele origin: germline.

Molecular Diagnostic Laboratory for Inherited Cardiovascular Disease, Montreal Heart Institute
Classification: Benign. Last evaluated: 2025-04-09. Review status: criteria provided, single submitter. Criteria: ACMG Guidelines, 2015. Collection method: clinical testing. Allele origin: germline. Affected: no.

Blueprint Genetics
Classification: Benign. Last evaluated: 2024-11-27. Review status: criteria provided, single submitter. Criteria: ACMG Guidelines, 2015. Collection method: clinical testing. Allele origin: germline.

All of Us Research Program, National Institutes of Health
Classification: Benign for Familial thoracic aortic aneurysm and aortic dissection. Last evaluated: 2024-10-03. Review status: criteria provided, single submitter. Criteria: ACMG Guidelines, 2015. Collection method: clinical testing. Allele origin: germline. Inheritance: Autosomal dominant inheritance. Observed: 96,004 variant alleles, 67,917 heterozygotes, 28,063 homozygotes, 24 hemizygotes.
Comment: This study involves interpretation of variants in research participants for the purpose of population health screening. Participant phenotype was not available at the time of variant classification. Additional details can be found in publication PMID: 35346344, PMCID: PMC8962531

Genome-Nilou Lab
Classification: Benign for Aortic aneurysm, familial thoracic 4. Last evaluated: 2021-09-05. Review status: criteria provided, single submitter. Criteria: ACMG Guidelines, 2015. Collection method: clinical testing. Allele origin: germline. Affected: no.

Genome-Nilou Lab
Classification: Benign for Megacystis-microcolon-intestinal hypoperistalsis syndrome 2. Last evaluated: 2021-09-05. Review status: criteria provided, single submitter. Criteria: ACMG Guidelines, 2015. Collection method: clinical testing. Allele origin: germline. Affected: no.

Genome-Nilou Lab
Classification: Benign for Visceral myopathy 2. Last evaluated: 2021-09-05. Review status: criteria provided, single submitter. Criteria: ACMG Guidelines, 2015. Collection method: clinical testing. Allele origin: germline. Affected: no.

Color Diagnostics, LLC DBA Color Health
Classification: Benign for Familial thoracic aortic aneurysm and aortic dissection. Last evaluated: 2018-03-16. Review status: criteria provided, single submitter. Criteria: ACMG Guidelines, 2015. Collection method: clinical testing. Allele origin: germline.

Illumina Laboratory Services, Illumina
Classification: Benign for Aortic aneurysm, familial thoracic 4. Last evaluated: 2018-01-13. Review status: criteria provided, single submitter. Criteria: ICSL Variant Classification Criteria 13 December 2019. Collection method: clinical testing. Allele origin: germline.
Comment: This variant was observed in the ICSL laboratory as part of a predisposition screen in an ostensibly healthy population. It had not been previously curated by ICSL or reported in the Human Gene Mutation Database (HGMD: prior to June 1st, 2018), and was therefore a candidate for classification through an automated scoring system. Utilizing variant allele frequency, disease prevalence and penetrance estimates, and inheritance mode, an automated score was calculated to assess if this variant is too frequent to cause the disease. Based on the score and internal cut-off values, a variant classified as benign is not then subjected to further curation. The score for this variant resulted in a classification of benign for this disease.

CHEO Genetics Diagnostic Laboratory, Children's Hospital of Eastern Ontario
Classification: Benign for Familial thoracic aortic aneurysm and aortic dissection. Last evaluated: 2016-06-20. Review status: criteria provided, single submitter. Criteria: ACMG Guidelines, 2015. Collection method: clinical testing. Allele origin: germline. Study: Canadian Open Genetics Repository.

Ambry Genetics
Classification: Benign for Familial thoracic aortic aneurysm and aortic dissection. Last evaluated: 2015-02-19. Review status: criteria provided, single submitter. Criteria: Ambry Autosomal Dominant and X-Linked criteria (10/2015). Collection method: clinical testing. Allele origin: germline. Observed: 1 variant allele.
Comment: General population or subpopulation frequency is too high to be a pathogenic mutation based on disease/syndrome prevalence and penetrance

Ambry Genetics
Classification: Benign for Cardiovascular phenotype. Last evaluated: 2015-02-03. Review status: criteria provided, single submitter. Criteria: Ambry Autosomal Dominant and X-Linked criteria (10/2015). Collection method: clinical testing. Allele origin: germline. Observed: 1 variant allele.

Mayo Clinic Laboratories, Mayo Clinic
Classification: Benign. Last evaluated: 2014-02-05. Review status: criteria provided, single submitter. Criteria: ACMG Guidelines, 2015. Collection method: clinical testing. Allele origin: germline. Observed: 984 variant alleles.

Laboratory for Molecular Medicine, Mass General Brigham Personalized Medicine
Classification: Benign. Last evaluated: 2013-04-04. Review status: criteria provided, single submitter. Criteria: LMM Criteria. Collection method: clinical testing. Allele origin: germline. Observed: 23 variant alleles.
Comment: Ala588Ala in exon 15 of MYH11: This variant is not expected to have clinical sig nificance because it does not alter an amino acid residue and is not located wit hin the splice consensus sequence. It has been identified in 40.6% (3489/8600) o f European American chromosomes from a broad population by the NHLBI Exome Seque ncing Project (dbSNP rs2272554).

GeneDx
Classification: Benign. Last evaluated: 2012-11-05. Review status: criteria provided, single submitter. Criteria: GeneDx Variant Classification (06012015). Collection method: clinical testing. Allele origin: germline. Affected: yes.
Comment: This variant is considered likely benign or benign based on one or more of the following criteria: it is a conservative change, it occurs at a poorly conserved position in the protein, it is predicted to be benign by multiple in silico algorithms, and/or has population frequency not consistent with disease.

Breakthrough Genomics
Classification: Benign. Review status: criteria provided, single submitter. Criteria: ACMG Guidelines, 2015. Collection method: not provided. Allele origin: germline. Inheritance: Autosomal recessive inheritance. Affected: yes.

PreventionGenetics, part of Exact Sciences
Classification: Benign. Review status: criteria provided, single submitter. Criteria: ACMG Guidelines, 2015. Collection method: clinical testing. Allele origin: germline.

NM_002474.3(MYH11):c.1743T>C (p.Ala581=)

Gene: MYH11 (myosin heavy chain 11; minus strand). Cytogenetic location: 16p13.11.
Variant type: single nucleotide variant.
Coding change: c.1743T>C on transcript NM_002474.3 (MANE Select); coding-DNA position 1743, T replaced by C.
Protein change: p.Ala581=; no amino-acid change (alanine 581 retained).
Molecular consequence: synonymous variant.
Genome position (GRCh38, 1-based): chr16:15,756,347, A>G on the plus strand (T>C on the coding strand, the complement: MYH11 is on the minus strand). VCF-style: chr16-15756347-A-G. GRCh37 (hg19) VCF-style: chr16-15850204-A-G.
Other names: p.A581A:GCT>GCC; p.Ala588=; c.1764T>C, p.Ala588= (NM_001040113.2, NM_001040114.2); c.1743T>C, p.Ala581= (NM_022844.3).
Identifiers: ClinVar variation 138327 (VCV000138327.30), dbSNP rs2272554, ClinGen allele CA292265.
Genomic context (GRCh38, chr16:15,756,347, plus strand): 5'-AGCAGCCACTGGGGGTCCCCTGAGACAGAGTCCCCTGGGCCCTGTGGCTGGTACCTTCCC[A>G]GCATAATGGATGATGGAGAACTCAGTCTTGTCCTTGAGCTGCTTGGGCTTCTGGAACTTG-3'
Protein context (NP_002465.1, residues 571-591): DKTEFSIIHY[Ala581=]GKVDYNASAW